The following is an entry in ClinVar:

ClinVar aggregate classification (germline): Conflicting classifications of pathogenicity. Review status: criteria provided, conflicting classifications (1 of 4 stars). 7 submissions from 7 submitters: Uncertain significance (6); Likely benign (1). Last evaluated 2025-06-05.

Conditions:
Breast-ovarian cancer, familial, susceptibility to, 2 (BROVCA2). Also called: BRCA2 Hereditary Breast and Ovarian Cancer. Identifiers: Orphanet 145, MedGen C2675520, MONDO:0012933, OMIM 612555. Disease mechanism: loss of function.
Hereditary cancer-predisposing syndrome. Also called: Hereditary Cancer Syndrome; Hereditary neoplastic syndrome; Tumor predisposition; Neoplastic Syndromes, Hereditary. Identifiers: Orphanet 140162, MedGen C0027672, MeSH D009386, MONDO:0015356.
Hereditary breast ovarian cancer syndrome. Also called: Hereditary breast and ovarian cancer syndrome; BRCA1- and BRCA2-Associated Hereditary Breast and Ovarian Cancer; Hereditary breast and ovarian cancer syndrome (HBOC); Hereditary breast and/or ovarian cancer syndrome; Hereditary breast and ovarian cancer; Breast and ovarian cancer. Identifiers: Orphanet 145, MedGen C0677776, MeSH D061325, MONDO:0003582. Disease mechanism: loss of function.

Allele frequency attached by ClinVar (database versions not stated): TOPMed below 0.00001.

Submissions (7):

Ambry Genetics
Classification: Uncertain significance for Hereditary cancer-predisposing syndrome. Last evaluated: 2025-06-05. Review status: criteria provided, single submitter. Criteria: Ambry Variant Classification Scheme 2023. Collection method: clinical testing. Allele origin: germline.
Comment: The p.N889S variant (also known as c.2666A>G), located in coding exon 10 of the BRCA2 gene, results from an A to G substitution at nucleotide position 2666. The asparagine at codon 889 is replaced by serine, an amino acid with highly similar properties. This amino acid position is not well conserved in available vertebrate species. In addition, this alteration is predicted to be tolerated by in silico analysis. Since supporting evidence is limited at this time, the clinical significance of this alteration remains unclear.

GeneDx
Classification: Uncertain significance. Last evaluated: 2025-01-10. Review status: criteria provided, single submitter. Criteria: GeneDx Variant Classification Process June 2021. Collection method: clinical testing. Allele origin: germline. Affected: yes.
Comment: Not observed at significant frequency in large population cohorts (gnomAD); In silico analysis supports that this missense variant has a deleterious effect on protein structure/function; Has not been previously published as pathogenic or benign to our knowledge; Also known as 2894A>G; This variant is associated with the following publications: (PMID: 31911673)

Labcorp Genetics (formerly Invitae), Labcorp
Classification: Uncertain significance for Hereditary breast ovarian cancer syndrome. Last evaluated: 2023-12-08. Review status: criteria provided, single submitter. Criteria: Invitae Variant Classification Sherloc (09022015). Collection method: clinical testing. Allele origin: germline.
Comment: This sequence change replaces asparagine, which is neutral and polar, with serine, which is neutral and polar, at codon 889 of the BRCA2 protein (p.Asn889Ser). This variant is not present in population databases (gnomAD no frequency). This variant has not been reported in the literature in individuals affected with BRCA2-related conditions. ClinVar contains an entry for this variant (Variation ID: 441454). Advanced modeling of protein sequence and biophysical properties (such as structural, functional, and spatial information, amino acid conservation, physicochemical variation, residue mobility, and thermodynamic stability) performed at Invitae indicates that this missense variant is not expected to disrupt BRCA2 protein function with a negative predictive value of 95%. In summary, the available evidence is currently insufficient to determine the role of this variant in disease. Therefore, it has been classified as a Variant of Uncertain Significance.

Quest Diagnostics Nichols Institute San Juan Capistrano
Classification: Uncertain significance. Last evaluated: 2023-10-16. Review status: criteria provided, single submitter. Criteria: Quest Diagnostics criteria. Collection method: clinical testing. Allele origin: unknown.

All of Us Research Program, National Institutes of Health
Classification: Uncertain significance for Breast-ovarian cancer, familial, susceptibility to, 2. Last evaluated: 2023-04-27. Review status: criteria provided, single submitter. Criteria: ACMG Guidelines, 2015. Collection method: clinical testing. Allele origin: germline. Inheritance: Autosomal dominant inheritance. Observed: 1 variant allele, 1 heterozygote.
Comment: This missense variant replaces asparagine with serine at codon 889 of the BRCA2 protein. Computational prediction suggests that this variant may not impact protein structure and function (internally defined REVEL score threshold <= 0.5, PMID: 27666373). To our knowledge, functional studies have not been reported for this variant. This variant has not been reported in individuals affected with hereditary cancer in the literature. This variant has not been identified in the general population by the Genome Aggregation Database (gnomAD). The available evidence is insufficient to determine the role of this variant in disease conclusively. Therefore, this variant is classified as a Variant of Uncertain Significance.

This study involves interpretation of variants in research participants for the purpose of population health screening. Participant phenotype was not available at the time of variant classification. Additional details can be found in publication PMID: 35346344, PMCID: PMC8962531

University of Washington Department of Laboratory Medicine, University of Washington
Classification: Likely benign for Hereditary cancer-predisposing syndrome. Last evaluated: 2023-03-23. Review status: criteria provided, single submitter. Criteria: Dines et al. (Genet Med. 2020). Collection method: curation. Allele origin: germline.
Comment: Missense variant in a coldspot region where missense variants are very unlikely to be pathogenic (PMID:31911673).

BRCA2 exon 11 coldspot. Reclassification based on statistical prior probability.

Sema4
Classification: Uncertain significance for Hereditary cancer-predisposing syndrome. Last evaluated: 2022-02-26. Review status: criteria provided, single submitter. Criteria: Sema4 Curation Guidelines. Collection method: curation. Allele origin: germline.
Comment: The BRCA2 c.2666A>G (p.N889S) variant has not been reported in the literature to our knowledge. This variant is not reported in the population database Genome Aggregation Database (PMID: 32461654). The variant has been reported in ClinVar (Variation ID: 441454). In silico tools suggest the impact of the variant on protein function is benign, though these predictions have not been confirmed by functional studies. The evidence is insufficient to meet ACMG/AMP criteria for classifying the variant as benign or pathogenic. Thus, the clinical significance of this variant is currently uncertain.

Literature cited by the submitters: PubMed 31911673 (cited by Quest Diagnostics Nichols Institute San Juan Capistrano).

NM_000059.4(BRCA2):c.2666A>G (p.Asn889Ser)

Gene: BRCA2 (BRCA2 DNA repair associated; plus strand). Cytogenetic location: 13q13.1.
Variant type: single nucleotide variant.
Coding change: c.2666A>G on transcript NM_000059.4 (MANE Select); coding-DNA position 2666, A replaced by G.
Protein change: p.Asn889Ser; replaces asparagine 889 with serine.
Molecular consequence: missense variant.
Genome position (GRCh38, 1-based): chr13:32,337,021, A>G. VCF-style: chr13-32337021-A-G. GRCh37 (hg19) VCF-style: chr13-32911158-A-G.
Other names: short protein forms N889S.
Identifiers: ClinVar variation 441454 (VCV000441454.19), dbSNP rs1555282782, ClinGen allele CA387773363.